The following is an entry in ClinVar:

ClinVar aggregate classification (germline): Likely benign (1 of 4 stars; one submission).

Allele frequency attached by ClinVar (database versions not stated): gnomAD exomes 0.00004; ExAC 0.00009; gnomAD 0.00028; TOPMed 0.00037; 1000 Genomes Project 0.00040; ESP Exome Variant Server 0.00054; 1000 Genomes Project 30x 0.00062.
gnomAD v4.1: 101 of 1,614,102 alleles (0.0063%); highest among the groups gnomAD compares: African/African-American, 0.097%; no homozygotes.

Submission:

CeGaT Center for Human Genetics Tuebingen
Classification: Likely benign. Last evaluated: 2022-12-01. Review status: criteria provided, single submitter. Criteria: CeGaT Center For Human Genetics Tuebingen Variant Classification Criteria Version 2. Collection method: clinical testing. Allele origin: germline. Affected: yes. Observed: 1 variant allele.
Comment: UPF1: BP4, BP7

NM_002911.4(UPF1):c.258C>T (p.Asn86=)

Gene: UPF1 (UPF1 RNA helicase and ATPase; plus strand). Cytogenetic location: 19p13.11.
Variant type: single nucleotide variant.
Coding change: c.258C>T on transcript NM_002911.4 (MANE Select); coding-DNA position 258, C replaced by T.
Protein change: p.Asn86=; no amino-acid change (asparagine 86 retained).
Molecular consequence: synonymous variant.
Genome position (GRCh38, 1-based): chr19:18,846,006, C>T. VCF-style: chr19-18846006-C-T. GRCh37 (hg19) VCF-style: chr19-18956815-C-T.
Other names: c.258C>T, p.Asn86= (NM_001297549.2).
Identifiers: ClinVar variation 2649594 (VCV002649594.24), dbSNP rs149711534, ClinGen allele CA9316954.